The following is an entry in ClinVar:

NM_000095.3(COMP):c.2028G>C (p.Trp676Cys)

Gene: COMP (cartilage oligomeric matrix protein; minus strand). Cytogenetic location: 19p13.11.
Variant type: single nucleotide variant.
Coding change: c.2028G>C on transcript NM_000095.3 (MANE Select); coding-DNA position 2028, G replaced by C.
Protein change: p.Trp676Cys; replaces tryptophan 676 with cysteine.
Molecular consequence: missense variant.
Genome position (GRCh38, 1-based): chr19:18,784,250, C>G on the plus strand (G>C on the coding strand, the complement: COMP is on the minus strand). VCF-style: chr19-18784250-C-G. GRCh37 (hg19) VCF-style: chr19-18895060-C-G.
Other names: short protein forms W676C.
Identifiers: ClinVar variation 3373041 (VCV003373041.1).
Genomic context (GRCh38, chr19:18,784,250, plus strand): 5'-CCTGATGTAGCCCACTTGGGGCCGGTGCTGCAGGAACCAACGATAGGACTTCTTGTCCTT[C>G]CAACCCACGTTTCGCGGGTCCTTCCACAGCAGCCGCACCTGGGACTCTGTGTCTCCTGTA-3'
Protein context (NP_000086.2, residues 666-686): LLWKDPRNVG[Trp676Cys]KDKKSYRWFL

ClinVar aggregate classification (germline): Uncertain significance (1 of 4 stars; one submission).

Submission:

GeneDx
Classification: Uncertain significance. Last evaluated: 2024-04-26. Review status: criteria provided, single submitter. Criteria: GeneDx Variant Classification Process June 2021. Collection method: clinical testing. Allele origin: germline. Affected: yes.
Comment: Not observed at significant frequency in large population cohorts (gnomAD); In silico analysis supports that this missense variant has a deleterious effect on protein structure/function; Has not been previously published as pathogenic or benign to our knowledge